The following is an entry in ClinVar:

ClinVar aggregate classification (germline): Uncertain significance (1 of 4 stars; one submission).

Submission:

GeneDx
Classification: Uncertain significance. Last evaluated: 2024-11-15. Review status: criteria provided, single submitter. Criteria: GeneDx Variant Classification Process June 2021. Collection method: clinical testing. Allele origin: germline.
Comment: Not observed at significant frequency in large population cohorts (gnomAD); In-frame deletion of 3 amino acids in a non-repeat region; In silico analysis supports a deleterious effect on protein structure/function; Has not been previously published as pathogenic or benign to our knowledge

NM_001142864.4(PIEZO1):c.5112_5120del (p.Ala1705_Ser1707del)

Gene: PIEZO1 (piezo type mechanosensitive ion channel component 1 (Er blood group); minus strand). Cytogenetic location: 16q24.3.
Variant type: Deletion.
Coding change: c.5112_5120del on transcript NM_001142864.4 (MANE Select); coding-DNA positions 5112 to 5120, 9 bases deleted (CGCCGGCTC; older notation c.5112_5120delCGCCGGCTC).
Protein change: p.Ala1705_Ser1707del.
Genome position (GRCh38, 1-based): chr16:88,721,902-88,721,910, GAGCCGGCG deleted on the plus strand (CGCCGGCTC on the coding strand, the reverse complement: PIEZO1 is on the minus strand); deleting any 9 consecutive bases within chr16:88,721,902-88,721,913 gives the same sequence; the c. name uses the placement nearest the transcript's 3' end. VCF-style (leftmost placement, unchanged base first): chr16-88721901-CGAGCCGGCG-C. GRCh37 (hg19) VCF-style: chr16-88788309-CGAGCCGGCG-C.
Identifiers: ClinVar variation 3364345 (VCV003364345.2).